The following is an entry in ClinVar:

ClinVar aggregate classification (germline): Pathogenic/Likely pathogenic. Review status: criteria provided, multiple submitters, no conflicts (2 of 4 stars). 4 submissions from 4 submitters: Pathogenic (2); Likely pathogenic (2). Last evaluated 2025-08-11.

Conditions:
Monogenic hearing loss.
Nonsyndromic genetic hearing loss. Also called: Nonsyndromic hearing loss and deafness; Nonsyndromic genetic deafness; Non-syndromic genetic deafness. Identifiers: Orphanet 87884, MedGen C5680182, MONDO:0019497.
Palmoplantar keratoderma-deafness syndrome. Also called: Keratoderma palmoplantar, with deafness; Palmoplantar keratoderma and sensorineural deafness; Hereditary palmoplantar keratoderma with deafness (subtype); Focal palmoplantar keratoderma with sensorineural deafness (subtype); Diffuse palmoplantar keratoderma with deafness (subtype). Identifiers: Orphanet 2202, MedGen C1835672, MONDO:0007852, OMIM 148350.
Autosomal dominant keratitis-ichthyosis-hearing loss syndrome. Also called: HID SYNDROME; Senter syndrome; KID SYNDROME, AUTOSOMAL DOMINANT. Identifiers: Orphanet 477, MedGen C0265336, MONDO:0007850, OMIM 148210.
Autosomal recessive nonsyndromic hearing loss 1A (DFNB1A). Also called: GJB2-Related Autosomal Recessive Nonsyndromic Hearing Loss; GJB6-Related DFNB 1 Nonsyndromic Hearing Loss and Deafness; Deafness, autosomal recessive 1A; Connexin 26 deafness; Deafness nonsyndromic, Connexin 26 linked; Nonsyndromic Hearing Loss and Deafness, DFNB1. Identifiers: Orphanet 90636, MedGen C2673759, MONDO:0009076, OMIM 220290.
Mutilating keratoderma (VOWNKL). Also called: Keratoderma hereditarium mutilans. Identifiers: Orphanet 494, MedGen C0265964, MONDO:0007422, OMIM 124500.
Knuckle pads, deafness AND leukonychia syndrome. Also called: Bart-Pumphrey syndrome. Identifiers: Orphanet 2698, MedGen C0266004, MONDO:0007866, OMIM 149200.
Autosomal dominant nonsyndromic hearing loss 3A. Identifiers: Orphanet 90635, MedGen C2675750, MONDO:0011103, OMIM 601544.
Ichthyosis, hystrix-like, with hearing loss. Also called: Hystrix-like ichthyosis with deafness. Identifiers: Orphanet 477, MedGen C1865234, MONDO:0011245.

Allele frequency attached by ClinVar (database versions not stated): gnomAD exomes 0.00001.
gnomAD v4.1: 4 of 1,614,036 alleles (0.00025%); highest among the groups gnomAD compares: South Asian, 0.0044%; no homozygotes.

Submissions (4):

Genetics Laboratory, Great Ormond Street Hospital NHS Foundation Trust, North Thames Genomic Laboratory Hub
Classification: Likely pathogenic for Monogenic hearing loss. Last evaluated: 2025-08-11. Review status: criteria provided, single submitter. Criteria: ACGS Best Practice Guidelines for Variant Classification in Rare Disease 2024 v1.2. Collection method: clinical testing. Allele origin: germline. Affected: yes.
Comment: PM2_moderate, PP3_supporting, PS3_moderate, PM3_strong

Fulgent Genetics
Classification: Likely pathogenic for Mutilating keratoderma; Autosomal dominant keratitis-ichthyosis-hearing loss syndrome; Palmoplantar keratoderma-deafness syndrome; Knuckle pads, deafness AND leukonychia syndrome; Autosomal recessive nonsyndromic hearing loss 1A; Autosomal dominant nonsyndromic hearing loss 3A. Last evaluated: 2024-05-23. Review status: criteria provided, single submitter. Criteria: ACMG Guidelines, 2015. Collection method: clinical testing. Allele origin: germline.

Women's Health and Genetics/Laboratory Corporation of America, LabCorp
Classification: Pathogenic for Nonsyndromic genetic hearing loss. Last evaluated: 2024-05-21. Review status: criteria provided, single submitter. Criteria: LabCorp Variant Classification Summary - May 2015. Collection method: clinical testing. Allele origin: germline.
Comment: Variant summary: GJB2 c.98T>C (p.Ile33Thr) results in a non-conservative amino acid change located in the Connexin, N-terminal domain (IPR013092) of the encoded protein sequence. Five of five in-silico tools predict a damaging effect of the variant on protein function. The variant allele was found at a frequency of 1.2e-05 in 250622 control chromosomes. c.98T>C has been reported in the literature the homozygous state in multiple individuals affected with autosomal recessive Non-Syndromic Hearing Loss (example, Hedge_2021, Mani_2009). These data indicate that the variant is very likely to be associated with disease. In vitro evaluations of this variant in HeLa cells found reduced protein levels (~25% of controls) and abolished dye transfer capabilities, suggesting defective gap junction channel activity (example, Mani_2009). The following publications have been ascertained in the context of this evaluation (PMID: 33614373, 18941476). ClinVar contains an entry for this variant (Variation ID: 2137461). Based on the evidence outlined above, the variant was classified as pathogenic.

Labcorp Genetics (formerly Invitae), Labcorp
Classification: Pathogenic. Last evaluated: 2022-08-13. Review status: criteria provided, single submitter. Criteria: Invitae Variant Classification Sherloc (09022015). Collection method: clinical testing. Allele origin: germline.
Comment: This missense change has been observed in individuals with autosomal recessive deafness (PMID: 18941476, 25388846, 33614373). This variant is present in population databases (rs575453513, gnomAD 0.006%). This sequence change replaces isoleucine, which is neutral and non-polar, with threonine, which is neutral and polar, at codon 33 of the GJB2 protein (p.Ile33Thr). Advanced modeling of protein sequence and biophysical properties (such as structural, functional, and spatial information, amino acid conservation, physicochemical variation, residue mobility, and thermodynamic stability) performed at Invitae indicates that this missense variant is expected to disrupt GJB2 protein function. For these reasons, this variant has been classified as Pathogenic. Experimental studies have shown that this missense change affects GJB2 function (PMID: 18941476).

Literature cited by the submitters: PubMed 18941476 (cited by Women's Health and Genetics/Laboratory Corporation of America, LabCorp and Labcorp Genetics (formerly Invitae), Labcorp); PubMed 33614373 (cited by Women's Health and Genetics/Laboratory Corporation of America, LabCorp and Labcorp Genetics (formerly Invitae), Labcorp); PubMed 25388846 (cited by Labcorp Genetics (formerly Invitae), Labcorp).

NM_004004.6(GJB2):c.98T>C (p.Ile33Thr)

Gene: GJB2 (gap junction protein beta 2; minus strand). Cytogenetic location: 13q12.11.
Variant type: single nucleotide variant.
Coding change: c.98T>C on transcript NM_004004.6 (MANE Select); coding-DNA position 98, T replaced by C.
Protein change: p.Ile33Thr; replaces isoleucine 33 with threonine.
Molecular consequence: missense variant.
Genome position (GRCh38, 1-based): chr13:20,189,484, A>G on the plus strand (T>C on the coding strand, the complement: GJB2 is on the minus strand). VCF-style: chr13-20189484-A-G. GRCh37 (hg19) VCF-style: chr13-20763623-A-G.
Other names: short protein forms I33T.
Identifiers: ClinVar variation 2137461 (VCV002137461.7), dbSNP rs575453513, ClinGen allele CA246460935.